The following is an entry in ClinVar:

ClinVar aggregate classification (germline): Uncertain significance (1 of 4 stars; one submission).

Allele frequency attached by ClinVar (database versions not stated): ExAC 0.00001.

Submission:

Labcorp Genetics (formerly Invitae), Labcorp
Classification: Uncertain significance. Last evaluated: 2022-04-10. Review status: criteria provided, single submitter. Criteria: Invitae Variant Classification Sherloc (09022015). Collection method: clinical testing. Allele origin: germline.
Comment: In summary, the available evidence is currently insufficient to determine the role of this variant in disease. Therefore, it has been classified as a Variant of Uncertain Significance. This variant has not been reported in the literature in individuals affected with GTF2E2-related conditions. This variant is not present in population databases (gnomAD no frequency). This sequence change creates a premature translational stop signal (p.Ser49*) in the GTF2E2 gene. It is expected to result in an absent or disrupted protein product. However, the current clinical and genetic evidence is not sufficient to establish whether loss-of-function variants in GTF2E2 cause disease.

NM_002095.6(GTF2E2):c.146C>G (p.Ser49Ter)

Gene: GTF2E2 (general transcription factor IIE subunit 2; minus strand). Cytogenetic location: 8p12.
Variant type: single nucleotide variant.
Coding change: c.146C>G on transcript NM_002095.6 (MANE Select); coding-DNA position 146, C replaced by G.
Protein change: p.Ser49Ter; replaces serine 49 with a stop codon.
Molecular consequence: nonsense.
Genome position (GRCh38, 1-based): chr8:30,653,453, G>C on the plus strand (C>G on the coding strand, the complement: GTF2E2 is on the minus strand). VCF-style: chr8-30653453-G-C. GRCh37 (hg19) VCF-style: chr8-30510970-G-C.
Other names: c.146C>G, p.Ser49Ter (NM_001348353.1); short protein forms S49*.
Identifiers: ClinVar variation 2124169 (VCV002124169.4), dbSNP rs761565129, ClinGen allele CA4701091.